The following is an entry in ClinVar:

NM_003859.3(DPM1):c.759A>G (p.Leu253=)

Genes: ADNP-AS1 (ADNP antisense RNA 1; plus strand), DPM1 (dolichyl-phosphate mannosyltransferase subunit 1, catalytic; minus strand). Cytogenetic location: 20q13.13.
Variant type: single nucleotide variant.
Coding change: c.759A>G on transcript NM_003859.3 (MANE Select); coding-DNA position 759, A replaced by G.
Protein change: p.Leu253=; no amino-acid change (leucine 253 retained).
Molecular consequence: synonymous variant. On other transcripts: non-coding transcript variant (1).
Genome position (GRCh38, 1-based): chr20:50,935,156, T>C on the plus strand (A>G on the coding strand, the complement: DPM1 is on the minus strand). VCF-style: chr20-50935156-T-C. GRCh37 (hg19) VCF-style: chr20-49551693-T-C.
Other names: c.864A>G, p.Leu288= (NM_001317034.1); c.840A>G, p.Leu280= (NM_001317035.1); c.690A>G, p.Leu230= (NM_001317036.1); c.759A>G (NM_003859.2).
Identifiers: ClinVar variation 338751 (VCV000338751.11), dbSNP rs769964944, ClinGen allele CA9908991.

ClinVar aggregate classification (germline): Conflicting classifications of pathogenicity. Review status: criteria provided, conflicting classifications (1 of 4 stars). 3 submissions from 3 submitters: Uncertain significance (1); Likely benign (1). 1 of the submissions does not count toward it. Last evaluated 2025-03-18.

Conditions:
DPM1-related disorder. Also called: DPM1-related condition.
Congenital disorder of glycosylation type 1E (CDG1E). Also called: CONGENITAL DISORDER OF GLYCOSYLATION, TYPE Ie; CDG Ie. Identifiers: Orphanet 79322, MedGen C1837396, MONDO:0012123, OMIM 608799.

Allele frequency attached by ClinVar (database versions not stated): gnomAD exomes 0.00002 and 0.00003; ExAC 0.00003; TOPMed 0.00009; gnomAD 0.00013 and 0.00014.
gnomAD v4.1: 41 of 1,599,862 alleles (0.0026%); highest among the groups gnomAD compares: African/African-American, 0.05%; no homozygotes.

Submissions (3):

Labcorp Genetics (formerly Invitae), Labcorp
Classification: Likely benign for Congenital disorder of glycosylation type 1E. Last evaluated: 2025-03-18. Review status: criteria provided, single submitter. Criteria: Invitae Variant Classification Sherloc (09022015). Collection method: clinical testing. Allele origin: germline.

Illumina Laboratory Services, Illumina
Classification: Uncertain significance for Congenital disorder of glycosylation type 1E. Last evaluated: 2018-01-13. Review status: criteria provided, single submitter. Criteria: ICSL Variant Classification Criteria 13 December 2019. Collection method: clinical testing. Allele origin: germline.

PreventionGenetics, part of Exact Sciences
Classification: Likely benign for DPM1-related condition. Last evaluated: 2020-08-03. Review status: no assertion criteria provided. Collection method: clinical testing. Allele origin: germline. Not counted in ClinVar's aggregate classification.
Comment: This variant is classified as likely benign based on ACMG/AMP sequence variant interpretation guidelines (Richards et al. 2015 PMID: 25741868, with internal and published modifications).